The following is an entry in ClinVar:

NM_173660.5(DOK7):c.881C>A (p.Thr294Lys)

Gene: DOK7 (docking protein 7; plus strand). Cytogenetic location: 4p16.3.
Variant type: single nucleotide variant.
Coding change: c.881C>A on transcript NM_173660.5 (MANE Select); coding-DNA position 881, C replaced by A.
Protein change: p.Thr294Lys; replaces threonine 294 with lysine.
Molecular consequence: missense variant. On other transcripts: 3 prime UTR variant (1), 5 prime UTR variant (1).
Genome position (GRCh38, 1-based): chr4:3,492,867, C>A. VCF-style: chr4-3492867-C-A. GRCh37 (hg19) VCF-style: chr4-3494594-C-A.
Other names: c.*102C>A (NM_001164673.2); c.-50C>A (NM_001256896.2); c.881C>A, p.Thr294Lys (NM_001301071.2); c.449C>A, p.Thr150Lys (NM_001363811.2); short protein forms T294K, T150K.
Identifiers: ClinVar variation 534120 (VCV000534120.4), dbSNP rs151079259, ClinGen allele CA356116209.

ClinVar aggregate classification (germline): Uncertain significance (1 of 4 stars; one submission).

Conditions:
Fetal akinesia deformation sequence 1 (FADS1). Also called: Fetal akinesia sequence; Pena-Shokeir syndrome type I. Identifiers: Orphanet 994, MedGen C1276035, MONDO:0100101, OMIM 208150, HP:0001989.
Congenital myasthenic syndrome 10. Also called: Myasthenia, limb-girdle, familial. Identifiers: Orphanet 590, MedGen C1850792, MONDO:0009690, OMIM 254300.

gnomAD v4.1: 4 of 1,608,014 alleles (0.00025%); highest among the groups gnomAD compares: Non-Finnish European, 0.00025%; no homozygotes.

Submission:

Labcorp Genetics (formerly Invitae), Labcorp
Classification: Uncertain significance for Congenital myasthenic syndrome 10; Fetal akinesia deformation sequence 1. Last evaluated: 2022-07-25. Review status: criteria provided, single submitter. Criteria: Invitae Variant Classification Sherloc (09022015). Collection method: clinical testing. Allele origin: germline.
Comment: This sequence change replaces threonine, which is neutral and polar, with lysine, which is basic and polar, at codon 294 of the DOK7 protein (p.Thr294Lys). This variant is not present in population databases (gnomAD no frequency). This variant has not been reported in the literature in individuals affected with DOK7-related conditions. ClinVar contains an entry for this variant (Variation ID: 534120). Algorithms developed to predict the effect of missense changes on protein structure and function are either unavailable or do not agree on the potential impact of this missense change (SIFT: "Deleterious"; PolyPhen-2: "Benign"; Align-GVGD: "Class C0"). In summary, the available evidence is currently insufficient to determine the role of this variant in disease. Therefore, it has been classified as a Variant of Uncertain Significance.